The following is an entry in ClinVar:

ClinVar aggregate classification (germline): Pathogenic (1 of 4 stars; one submission).

Conditions:
Megalencephalic leukoencephalopathy with subcortical cysts 1 (MLC1). Also called: LEUKOENCEPHALOPATHY WITH SWELLING AND CYSTS; VACUOLATING MEGALENCEPHALIC LEUKOENCEPHALOPATHY WITH SUBCORTICAL CYSTS. Identifiers: Orphanet 2478, MedGen C5779875, MONDO:0024555, OMIM 604004.

Submission:

Myriad Genetics, Inc.
Classification: Pathogenic for Megalencephalic leukoencephalopathy with subcortical cysts 1. Last evaluated: 2025-05-17. Review status: criteria provided, single submitter. Criteria: Myriad Autosomal Dominant, Autosomal Recessive and X-Linked Classification Criteria (2023). Collection method: clinical testing. Allele origin: unknown.
Comment: NM_015166.3(MLC1):c.589_592dupTCTT(Y198Ffs*25) is expected to be pathogenic in the context of megalencephalic leukoencephalopathy with subcortical cysts. This variant is predicted to lead to an abnormal or absent protein product due to the creation of a premature termination codon in MLC1, a gene where loss-of-function variants are known to be pathogenic. Please note: this variant was assessed in the context of healthy population screening.

NM_015166.4(MLC1):c.589_592dup (p.Tyr198fs)

Gene: MLC1 (modulator of VRAC current 1; minus strand). Cytogenetic location: 22q13.33.
Variant type: Duplication.
Coding change: c.589_592dup on transcript NM_015166.4 (MANE Select); coding-DNA positions 589 to 592, 4 bases duplicated (TCTT; older notation c.589_592dupTCTT).
Protein change: p.Tyr198fs; shifts the reading frame from tyrosine 198.
Molecular consequence: frameshift variant. On other transcripts: non-coding transcript variant (3).
Genome position (GRCh38, 1-based): chr22:50,076,846-50,076,849, AAGA duplicated on the plus strand (TCTT on the coding strand, the reverse complement: MLC1 is on the minus strand). VCF-style (leftmost placement, unchanged base first): chr22-50076845-T-TAAGA. GRCh37 (hg19) VCF-style: chr22-50515274-T-TAAGA.
Other names: c.487_490dup, p.Tyr164fs (NM_001376481.1); c.433_436dup, p.Tyr146fs (NM_001376482.1, NM_001376483.1); c.352_355dup, p.Tyr119fs (NM_001376484.1); c.589_592dup, p.Tyr198fs (NM_139202.3, NM_001376472.1, NM_001376473.1 and 6 more transcripts); c.499_502dup, p.Tyr168fs (NM_001376480.1); short protein forms Y119fs, Y146fs, Y164fs, Y168fs, Y198fs.
Identifiers: ClinVar variation 5014466 (VCV005014466.1).